The following is an entry in ClinVar:

NM_015512.5(DNAH1):c.10895G>A (p.Arg3632His)

Gene: DNAH1 (dynein axonemal heavy chain 1; plus strand). Cytogenetic location: 3p21.1.
Variant type: single nucleotide variant.
Coding change: c.10895G>A on transcript NM_015512.5 (MANE Select); coding-DNA position 10895, G replaced by A.
Protein change: p.Arg3632His; replaces arginine 3632 with histidine.
Molecular consequence: missense variant.
Genome position (GRCh38, 1-based): chr3:52,394,986, G>A. VCF-style: chr3-52394986-G-A. GRCh37 (hg19) VCF-style: chr3-52429002-G-A.
Other names: short protein forms R3632H.
Identifiers: ClinVar variation 478391 (VCV000478391.5), dbSNP rs562263699, ClinGen allele CA2435989.
Genomic context (GRCh38, chr3:52,394,986, plus strand): 5'-CTGGCATCTGGGACCAGTACCTAGACCAGTTCCAGAAGCTGCTAGTCCTCCGCTGCCTGC[G>A]TGGGGACAAGGTTACCAACGCCATGCAGGACTTTGTGGCCACCAACCTGGAGCCACGCTT-3'
Protein context (NP_056327.4, residues 3622-3642): FQKLLVLRCL[Arg3632His]GDKVTNAMQD

ClinVar aggregate classification (germline): Uncertain significance. Review status: criteria provided, multiple submitters, no conflicts (2 of 4 stars). 3 submissions from 3 submitters: Uncertain significance (3). Last evaluated 2024-12-14.

Conditions:
Spermatogenic failure 18. Identifiers: MedGen C4539783, MONDO:0054615, OMIM 617576.
Ciliary dyskinesia, primary, 37 (CILD37). Also called: CILIARY DYSKINESIA, PRIMARY, 37, WITH OR WITHOUT SITUS INVERSUS. Identifiers: MedGen C4539798, MONDO:0033204, OMIM 617577.
DNAH1-related disorder. Also called: DNAH1-related condition.

Allele frequency attached by ClinVar (database versions not stated): gnomAD 0.00011 and 0.00014; TOPMed 0.00014.
gnomAD v4.1: 411 of 1,612,606 alleles (0.025%); highest among the groups gnomAD compares: Non-Finnish European, 0.033%; no homozygotes.

Submissions (3):

PreventionGenetics, part of Exact Sciences
Classification: Uncertain significance for DNAH1-related condition. Last evaluated: 2024-12-14. Review status: criteria provided, single submitter. Criteria: ACMG Guidelines, 2015. Collection method: clinical testing. Allele origin: germline.
Comment: The DNAH1 c.10895G>A variant is predicted to result in the amino acid substitution p.Arg3632His. To our knowledge, this variant has not been reported in the literature. This variant is reported in 0.016% of alleles in individuals of European (Non-Finnish) descent in gnomAD. At this time, the clinical significance of this variant is uncertain due to the absence of conclusive functional and genetic evidence.

Genomic Medicine Center of Excellence, King Faisal Specialist Hospital and Research Centre
Classification: Uncertain significance for Spermatogenic failure 18. Last evaluated: 2024-03-26. Review status: criteria provided, single submitter. Criteria: ACMG Guidelines, 2015. Collection method: clinical testing. Allele origin: germline.

Labcorp Genetics (formerly Invitae), Labcorp
Classification: Uncertain significance for Ciliary dyskinesia, primary, 37; Spermatogenic failure 18. Last evaluated: 2022-10-03. Review status: criteria provided, single submitter. Criteria: Invitae Variant Classification Sherloc (09022015). Collection method: clinical testing. Allele origin: germline.
Comment: This sequence change replaces arginine, which is basic and polar, with histidine, which is basic and polar, at codon 3632 of the DNAH1 protein (p.Arg3632His). This variant is present in population databases (rs562263699, gnomAD 0.02%). This missense change has been observed in individual(s) with clinical features of primary ciliary dyskinesia (Invitae). ClinVar contains an entry for this variant (Variation ID: 478391). Advanced modeling of protein sequence and biophysical properties (such as structural, functional, and spatial information, amino acid conservation, physicochemical variation, residue mobility, and thermodynamic stability) performed at Invitae indicates that this missense variant is not expected to disrupt DNAH1 protein function. In summary, the available evidence is currently insufficient to determine the role of this variant in disease. Therefore, it has been classified as a Variant of Uncertain Significance.